The following is an entry in ClinVar:

NC_000022.11:g.40345770A>G

Gene: ADSL (adenylosuccinate lyase; plus strand). Cytogenetic location: 22q13.1.
Variant type: single nucleotide variant.
Genome position: GRCh38 VCF-style: chr22-40345770-A-G. GRCh37 (hg19) VCF-style: chr22-40741774-A-G.
Identifiers: ClinVar variation 1358195 (VCV001358195.6), dbSNP rs1410879144, ClinGen allele CA639407939.
Genomic context (GRCh38, chr22:40,345,770, plus strand): 5'-AACCTCCGCCTTCCGGGTTCAAGAAATTCTCCTGTCTCAGCCTCACAAGTAGCTGAGACT[A>G]CAGGTACAGGCCGCCATGCCCGACTAATTTTTTGTATTTTAGTAGAGACAGGGTTTCACG-3'

ClinVar aggregate classification (germline): Uncertain significance (1 of 4 stars; one submission).

Conditions:
Adenylosuccinate lyase deficiency (ADSLD). Also called: ADSL DEFICIENCY. Identifiers: Orphanet 46, MedGen C0268126, MONDO:0007068, OMIM 103050.

Allele frequency attached by ClinVar (database versions not stated): gnomAD 0.00001.

Submission:

Labcorp Genetics (formerly Invitae), Labcorp
Classification: Uncertain significance for Adenylosuccinate lyase deficiency. Last evaluated: 2021-06-01. Review status: criteria provided, single submitter. Criteria: Invitae Variant Classification Sherloc (09022015). Collection method: clinical testing. Allele origin: germline.
Comment: This variant occurs in a non-coding region of the ADSL gene. It does not change the encoded amino acid sequence of the ADSL protein. The frequency data for this variant in the population databases is considered unreliable, as metrics indicate insufficient coverage at this position in the ExAC database. In summary, the available evidence is currently insufficient to determine the role of this variant in disease. Therefore, it has been classified as a Variant of Uncertain Significance. Experimental studies and prediction algorithms are not available or were not evaluated, and the functional significance of this variant is currently unknown. This variant has not been reported in the literature in individuals with ADSL-related conditions.